The following is an entry in ClinVar:

NM_015338.6(ASXL1):c.2900G>A (p.Gly967Asp)

Gene: ASXL1 (ASXL transcriptional regulator 1; plus strand). Cytogenetic location: 20q11.21.
Variant type: single nucleotide variant.
Coding change: c.2900G>A on transcript NM_015338.6 (MANE Select); coding-DNA position 2900, G replaced by A.
Protein change: p.Gly967Asp; replaces glycine 967 with aspartic acid.
Molecular consequence: missense variant.
Genome position (GRCh38, 1-based): chr20:32,435,612, G>A. VCF-style: chr20-32435612-G-A. GRCh37 (hg19) VCF-style: chr20-31023415-G-A.
Other names: c.2717G>A, p.Gly906Asp (NM_001363734.1); short protein forms G906D, G967D.
Identifiers: ClinVar variation 5030512 (VCV005030512.1).

ClinVar aggregate classification (germline): Uncertain significance (1 of 4 stars; one submission).

Conditions:
Inborn genetic diseases. Identifiers: MedGen C0950123, MeSH D030342.

Submission:

Ambry Genetics
Classification: Uncertain significance for Inborn genetic diseases. Last evaluated: 2026-09-05. Review status: criteria provided, single submitter. Criteria: Ambry Variant Classification Scheme 2023. Collection method: clinical testing. Allele origin: germline.
Comment: The p.G967D variant (also known as c.2900G>A), located in coding exon 13 of the ASXL1 gene, results from a G to A substitution at nucleotide position 2900. The glycine at codon 967 is replaced by aspartic acid, an amino acid with similar properties. This amino acid position is conserved. In addition, this alteration is predicted to be tolerated by in silico analysis. Based on the available evidence, the clinical significance of this variant remains unclear.